The following is an entry in ClinVar:

ClinVar aggregate classification (germline): Benign/Likely benign. Review status: criteria provided, multiple submitters, no conflicts (2 of 4 stars). 10 submissions from 10 submitters: Benign (6); Likely benign (3). 1 of the submissions does not count toward it. Last evaluated 2026-02-04.

Conditions:
MHC class II deficiency. Also called: Bare lymphocyte syndrome 2; BLS, TYPE II. Identifiers: Orphanet 572, MedGen C5447452, MONDO:0008855.

Allele frequency attached by ClinVar (database versions not stated): 1000 Genomes Project 0.25899; 1000 Genomes Project 30x 0.26515; gnomAD 0.27854 and 0.27935; ESP Exome Variant Server 0.28044; TOPMed 0.28902; ExAC 0.29316; gnomAD exomes 0.29659.
gnomAD v4.1: 461,937 of 1,610,818 alleles (29%); highest among the groups gnomAD compares: Admixed American, 44%; 68,025 homozygotes.

Submissions (10):

Labcorp Genetics (formerly Invitae), Labcorp
Classification: Benign for MHC class II deficiency. Last evaluated: 2026-02-04. Review status: criteria provided, single submitter. Criteria: Invitae Variant Classification Sherloc (09022015). Collection method: clinical testing. Allele origin: germline.

Blueprint Genetics
Classification: Likely benign. Last evaluated: 2024-11-27. Review status: criteria provided, single submitter. Criteria: ACMG Guidelines, 2015. Collection method: clinical testing. Allele origin: germline.

Women's Health and Genetics/Laboratory Corporation of America, LabCorp
Classification: Likely benign. Last evaluated: 2021-12-03. Review status: criteria provided, single submitter. Criteria: LabCorp Variant Classification Summary - May 2015. Collection method: clinical testing. Allele origin: germline.

Genome-Nilou Lab
Classification: Benign for MHC class II deficiency 1. Last evaluated: 2021-07-10. Review status: criteria provided, single submitter. Criteria: ACMG Guidelines, 2015. Collection method: clinical testing. Allele origin: germline. Affected: no.

GeneDx
Classification: Benign. Last evaluated: 2018-08-27. Review status: criteria provided, single submitter. Criteria: GeneDx Variant Classification Process June 2021. Collection method: clinical testing. Allele origin: germline. Affected: yes.
Comment: This variant is associated with the following publications: (PMID: 25992516, 20211854, 21614020, 19659749)

Mayo Clinic Laboratories, Mayo Clinic
Classification: Benign. Last evaluated: 2018-03-21. Review status: criteria provided, single submitter. Criteria: ACMG Guidelines, 2015. Collection method: clinical testing. Allele origin: germline. Observed: 56 variant alleles.

Illumina Laboratory Services, Illumina
Classification: Benign for MHC class II deficiency 1. Last evaluated: 2018-03-06. Review status: criteria provided, single submitter. Criteria: ICSL Variant Classification Criteria 13 December 2019. Collection method: clinical testing. Allele origin: germline.
Comment: This variant was observed in the ICSL laboratory as part of a predisposition screen in an ostensibly healthy population. It had not been previously curated by ICSL or reported in the Human Gene Mutation Database (HGMD: prior to June 1st, 2018), and was therefore a candidate for classification through an automated scoring system. Utilizing variant allele frequency, disease prevalence and penetrance estimates, and inheritance mode, an automated score was calculated to assess if this variant is too frequent to cause the disease. Based on the score and internal cut-off values, a variant classified as benign is not then subjected to further curation. The score for this variant resulted in a classification of benign for this disease.

Laboratory for Molecular Medicine, Mass General Brigham Personalized Medicine
Classification: Benign. Last evaluated: 2016-03-28. Review status: criteria provided, single submitter. Criteria: LMM Criteria. Collection method: clinical testing. Allele origin: germline.
Comment: Variant identified in a genome or exome case(s) and assessed due to predicted null impact of the variant or pathogenic assertions in the literature or databases. Disclaimer: This variant has not undergone full assessment. The following are preliminary notes: Frequency, variant associated with MS

Breakthrough Genomics
Classification: Likely benign. Review status: criteria provided, single submitter. Criteria: ACMG Guidelines, 2015. Collection method: not provided. Allele origin: germline. Inheritance: Autosomal recessive inheritance. Affected: yes.

Natera, Inc.
Classification: Benign for Bare lymphocyte syndrome type II. Last evaluated: 2019-09-09. Review status: no assertion criteria provided. Collection method: clinical testing. Allele origin: germline. Not counted in ClinVar's aggregate classification.

NM_000246.4(CIITA):c.1499G>C (p.Gly500Ala)

Gene: CIITA (class II major histocompatibility complex transactivator; plus strand). Cytogenetic location: 16p13.13.
Variant type: single nucleotide variant.
Coding change: c.1499G>C on transcript NM_000246.4 (MANE Select); coding-DNA position 1499, G replaced by C.
Protein change: p.Gly500Ala; replaces glycine 500 with alanine.
Molecular consequence: missense variant. On other transcripts: intron variant (1).
Genome position (GRCh38, 1-based): chr16:10,906,991, G>C. VCF-style: chr16-10906991-G-C. GRCh37 (hg19) VCF-style: chr16-11000848-G-C.
Other names: p.Gly500Ala; c.1502G>C, p.Gly501Ala (NM_001286402.1, NM_001379332.1); c.1355G>C, p.Gly452Ala (NM_001379330.1); c.1352G>C, p.Gly451Ala (NM_001379331.1); c.1499G>C, p.Gly500Ala (NM_001379333.1); c.1430G>C, p.Gly477Ala (NM_001379334.1); c.860-1992G>C (NM_001286403.2); short protein forms G500A, G501A, G451A, G452A, G477A.
Identifiers: ClinVar variation 317694 (VCV000317694.27), dbSNP rs4774, ClinGen allele CA7900151.